The following is an entry in ClinVar:

ClinVar aggregate classification (germline): Uncertain significance (1 of 4 stars; one submission).

Conditions:
Neuronal ceroid lipofuscinosis. Also called: Neuronal Ceroid Lipofuscinoses. Identifiers: Orphanet 216, Orphanet 79263, MedGen C0027877, MONDO:0016295. Disease mechanism: loss of function.

Allele frequency attached by ClinVar (database versions not stated): ExAC 0.00001; gnomAD exomes 0.00001.
gnomAD v4.1: 4 of 1,613,578 alleles (0.00025%); highest among the groups gnomAD compares: South Asian, 0.0011%; no homozygotes.

Submission:

Labcorp Genetics (formerly Invitae), Labcorp
Classification: Uncertain significance for Neuronal ceroid lipofuscinosis. Last evaluated: 2021-08-20. Review status: criteria provided, single submitter. Criteria: Invitae Variant Classification Sherloc (09022015). Collection method: clinical testing. Allele origin: germline.
Comment: This sequence change replaces aspartic acid with asparagine at codon 97 of the CTSD protein (p.Asp97Asn). The aspartic acid residue is highly conserved and there is a small physicochemical difference between aspartic acid and asparagine. This variant is present in population databases (rs754680487, ExAC 0.006%). This variant has not been reported in the literature in individuals affected with CTSD-related conditions. Algorithms developed to predict the effect of missense changes on protein structure and function are either unavailable or do not agree on the potential impact of this missense change (SIFT: "Deleterious"; PolyPhen-2: "Probably Damaging"; Align-GVGD: "Class C0"). In summary, the available evidence is currently insufficient to determine the role of this variant in disease. Therefore, it has been classified as a Variant of Uncertain Significance.

NM_001909.5(CTSD):c.289G>A (p.Asp97Asn)

Gene: CTSD (cathepsin D; minus strand). Cytogenetic location: 11p15.5.
Variant type: single nucleotide variant.
Coding change: c.289G>A on transcript NM_001909.5 (MANE Select); coding-DNA position 289, G replaced by A.
Protein change: p.Asp97Asn; replaces aspartic acid 97 with asparagine.
Molecular consequence: missense variant.
Genome position (GRCh38, 1-based): chr11:1,759,579, C>T on the plus strand (G>A on the coding strand, the complement: CTSD is on the minus strand). VCF-style: chr11-1759579-C-T. GRCh37 (hg19) VCF-style: chr11-1780809-C-T.
Other names: short protein forms D97N.
Identifiers: ClinVar variation 1497497 (VCV001497497.5), dbSNP rs754680487, ClinGen allele CA5814239.